The following is an entry in ClinVar:

ClinVar aggregate classification (germline): Uncertain significance (1 of 4 stars; one submission).

Allele frequency attached by ClinVar (database versions not stated): ExAC 0.00001; gnomAD exomes below 0.00001; gnomAD 0.00001.
gnomAD v4.1: 3 of 1,605,786 alleles (0.00019%); highest among the groups gnomAD compares: African/African-American, 0.0013%; no homozygotes.

Submission:

Labcorp Genetics (formerly Invitae), Labcorp
Classification: Uncertain significance. Last evaluated: 2020-10-19. Review status: criteria provided, single submitter. Criteria: Invitae Variant Classification Sherloc (09022015). Collection method: clinical testing. Allele origin: germline.
Comment: This variant has not been reported in the literature in individuals with SI-related conditions. In summary, the available evidence is currently insufficient to determine the role of this variant in disease. Therefore, it has been classified as a Variant of Uncertain Significance. Advanced modeling of protein sequence and biophysical properties (such as structural, functional, and spatial information, amino acid conservation, physicochemical variation, residue mobility, and thermodynamic stability) performed at Invitae indicates that this missense variant is not expected to disrupt SI protein function. This variant is present in population databases (rs775663304, ExAC 0.01%). This sequence change replaces serine with alanine at codon 865 of the SI protein (p.Ser865Ala). The serine residue is moderately conserved and there is a moderate physicochemical difference between serine and alanine.

NM_001041.4(SI):c.2593T>G (p.Ser865Ala)

Gene: SI (sucrase-isomaltase; minus strand). Cytogenetic location: 3q26.1.
Variant type: single nucleotide variant.
Coding change: c.2593T>G on transcript NM_001041.4 (MANE Select); coding-DNA position 2593, T replaced by G.
Protein change: p.Ser865Ala; replaces serine 865 with alanine.
Molecular consequence: missense variant.
Genome position (GRCh38, 1-based): chr3:165,032,665, A>C on the plus strand (T>G on the coding strand, the complement: SI is on the minus strand). VCF-style: chr3-165032665-A-C. GRCh37 (hg19) VCF-style: chr3-164750453-A-C.
Other names: short protein forms S865A.
Identifiers: ClinVar variation 1019910 (VCV001019910.6), dbSNP rs775663304, ClinGen allele CA2690589.
Genomic context (GRCh38, chr3:165,032,665, plus strand): 5'-CTGTCAACCCAAGGATTTTTACAGTCTGAAATGCTAAGGTAGTTCCTTCCTGATATGATG[A>C]ATGTGTGCACACAATATCTAATGTGTTCTGAGAAAAATAGTATAAGATATTATATATTAG-3'
Protein context (NP_001032.2, residues 855-875): NNTLDIVCTH[Ser865Ala]SYQEGTTLAF